The following is an entry in ClinVar:

ClinVar aggregate classification (germline): Conflicting classifications of pathogenicity. Review status: criteria provided, conflicting classifications (1 of 4 stars). 3 submissions from 3 submitters: Pathogenic (1); Likely pathogenic (1); Uncertain significance (1). Last evaluated 2026-05-18.

Conditions:
Bifunctional peroxisomal enzyme deficiency (DBIF). Also called: PBFE DEFICIENCY; D-bifunctional protein deficiency; DBP DEFICIENCY. Identifiers: Orphanet 300, MedGen C0342870, MONDO:0009855, OMIM 261515. Disease mechanism: loss of function.

Allele frequency attached by ClinVar (database versions not stated): gnomAD exomes 0.00001.
gnomAD v4.1: 17 of 1,573,240 alleles (0.0011%); highest among the groups gnomAD compares: Non-Finnish European, 0.0015%; no homozygotes.

Submissions (3):

Myriad Genetics, Inc.
Classification: Uncertain significance for Bifunctional peroxisomal enzyme deficiency. Last evaluated: 2026-05-18. Review status: criteria provided, single submitter. Criteria: Myriad Autosomal Dominant, Autosomal Recessive and X-Linked Classification Criteria (2023). Collection method: clinical testing. Allele origin: unknown.
Comment: NM_000414.3(HSD17B4):c.1768-1G>A is a variant in a canonical splice site classified as a variant of uncertain significance in the context of HSD17B4-related disorders. c.1768-1G>A has been observed in a case with relevant disease (PMID: 36939041). Relevant functional assessments of this variant are not available in the literature. c.1768-1G>A has not been observed in referenced population frequency databases. In summary, there is insufficient evidence to classify NM_000414.3(HSD17B4):c.1768-1G>A as pathogenic or benign. Please note: this variant was assessed in the context of healthy population screening.

Baylor Genetics
Classification: Pathogenic for Bifunctional peroxisomal enzyme deficiency. Last evaluated: 2024-03-23. Review status: criteria provided, single submitter. Criteria: ACMG Guidelines, 2015. Collection method: clinical testing. Allele origin: unknown.

Women's Health and Genetics/Laboratory Corporation of America, LabCorp
Classification: Likely pathogenic for Bifunctional peroxisomal enzyme deficiency. Last evaluated: 2023-02-07. Review status: criteria provided, single submitter. Criteria: LabCorp Variant Classification Summary - May 2015. Collection method: clinical testing. Allele origin: germline.
Comment: Variant summary: HSD17B4 c.1768-1G>A is located in a canonical splice-site and is predicted to affect mRNA splicing resulting in a significantly altered protein due to either exon skipping, shortening, or inclusion of intronic material. Several computational tools predict a significant impact on normal splicing: Four predict the variant abolishes the canonical 3' acceptor site. However, these predictions have yet to be confirmed by functional studies. The variant was absent in 250100 control chromosomes (gnomAD). To our knowledge, no occurrence of c.1768-1G>A in individuals affected with D-Bifunctional Protein Deficiency and no experimental evidence demonstrating its impact on protein function have been reported. No clinical diagnostic laboratories have submitted clinical-significance assessments for this variant to ClinVar after 2014. Based on the evidence outlined above, the variant was classified as likely pathogenic.

Literature cited by the submitters: PubMed 36939041 (cited by Myriad Genetics, Inc.).

NM_000414.4(HSD17B4):c.1768-1G>A

Gene: HSD17B4 (hydroxysteroid 17-beta dehydrogenase 4; plus strand). Cytogenetic location: 5q23.1.
Variant type: single nucleotide variant.
Coding change: c.1768-1G>A on transcript NM_000414.4 (MANE Select); the canonical splice acceptor site of the intron before coding-DNA position 1768, G replaced by A.
Molecular consequence: splice acceptor variant.
Genome position (GRCh38, 1-based): chr5:119,529,893, G>A. VCF-style: chr5-119529893-G-A. GRCh37 (hg19) VCF-style: chr5-118865588-G-A.
Other names: c.1357-1G>A (NM_001374503.1, NM_001374502.1, NM_001374501.1); c.1843-1G>A (NM_001199291.3); c.1441-1G>A (NM_001374499.1); c.1327-1G>A (NM_001374500.1); c.1348-1G>A (NM_001292028.2); c.1696-1G>A (NM_001292027.2, NM_001374498.1); c.1759-1G>A (NM_001374497.1); c.1714-1G>A (NM_001199292.2).
Identifiers: ClinVar variation 2445738 (VCV002445738.4), dbSNP rs1359482508, ClinGen allele CA360870125.